The following is an entry in ClinVar:

NM_001142301.1(TMEM67):c.-207G>A

Gene: TMEM67 (transmembrane protein 67; plus strand). Cytogenetic location: 8q22.1.
Variant type: single nucleotide variant.
Coding change: c.-207G>A on transcript NM_001142301.1; 207 bases upstream of the start codon, G replaced by A.
Molecular consequence: 5 prime UTR variant.
Genome position (GRCh38, 1-based): chr8:93,754,882, G>A. VCF-style: chr8-93754882-G-A. GRCh37 (hg19) VCF-style: chr8-94767110-G-A.
Other names: c.-33G>A (NM_153704.5).
Identifiers: ClinVar variation 515914 (VCV000515914.3), dbSNP rs758890132, ClinGen allele CA4807481.

ClinVar aggregate classification (germline): Likely benign (1 of 4 stars; one submission).

Allele frequency attached by ClinVar (database versions not stated): gnomAD 0.00001; TOPMed 0.00006.
gnomAD v4.1: 32 of 1,598,434 alleles (0.002%); highest among the groups gnomAD compares: Admixed American, 0.05%; 1 homozygote.

Submission:

GeneDx
Classification: Likely benign. Last evaluated: 2018-03-12. Review status: criteria provided, single submitter. Criteria: GeneDx Variant Classification (06012015). Collection method: clinical testing. Allele origin: germline. Affected: yes.
Comment: This variant is considered likely benign or benign based on one or more of the following criteria: it is a conservative change, it occurs at a poorly conserved position in the protein, it is predicted to be benign by multiple in silico algorithms, and/or has population frequency not consistent with disease.